The following is an entry in ClinVar:

ClinVar aggregate classification (germline): Uncertain significance. Review status: criteria provided, multiple submitters, no conflicts (2 of 4 stars). 2 submissions from 2 submitters: Uncertain significance (2). Last evaluated 2025-01-06.

Conditions:
GARS-Associated Axonal Neuropathy. Identifiers: MedGen CN118836.
Neuronopathy, distal hereditary motor, type 5A (HMND5). Also called: Distal Spinal Muscular Atrophy V (dSMA-V); Distal Spinal Muscular Atrophy V; DHMN VA; NEURONOPATHY, DISTAL HEREDITARY MOTOR, AUTOSOMAL DOMINANT 5. Identifiers: Orphanet 139536, MedGen CN031873, MONDO:0015353, OMIM 600794.
Charcot-Marie-Tooth disease type 2D (CMT2D). Also called: Charcot-Marie-Tooth Neuropathy Type 2D; GARS1 Adolescent- or Early Adult-Onset Hereditary Motor/Sensory Neuropathy (GARS1-HMSN); CHARCOT-MARIE-TOOTH DISEASE, AXONAL, TYPE 2D; CHARCOT-MARIE-TOOTH DISEASE, NEURONAL, TYPE 2D. Identifiers: Orphanet 99938, MedGen C1832274, MONDO:0011091, OMIM 601472.
Charcot-Marie-Tooth disease type 2. Also called: Charcot-Marie-Tooth type 2. Identifiers: Orphanet 64746, MedGen C0270914, MONDO:0018993.

Allele frequency attached by ClinVar (database versions not stated): ESP Exome Variant Server 0.00008; ExAC 0.00002; gnomAD exomes 0.00002; gnomAD 0.00004.
gnomAD v4.1: 17 of 1,613,962 alleles (0.0011%); highest among the groups gnomAD compares: African/African-American, 0.0027%; no homozygotes.

Submissions (2):

Labcorp Genetics (formerly Invitae), Labcorp
Classification: Uncertain significance for Charcot-Marie-Tooth disease type 2. Last evaluated: 2025-01-06. Review status: criteria provided, single submitter. Criteria: Invitae Variant Classification Sherloc (09022015). Collection method: clinical testing. Allele origin: germline.
Comment: This sequence change replaces glycine, which is neutral and non-polar, with serine, which is neutral and polar, at codon 407 of the GARS protein (p.Gly407Ser). This variant is present in population databases (rs370650205, gnomAD 0.006%). This variant has not been reported in the literature in individuals affected with GARS-related conditions. ClinVar contains an entry for this variant (Variation ID: 577910). Invitae Evidence Modeling of protein sequence and biophysical properties (such as structural, functional, and spatial information, amino acid conservation, physicochemical variation, residue mobility, and thermodynamic stability) has been performed for this missense variant. However, the output from this modeling did not meet the statistical confidence thresholds required to predict the impact of this variant on GARS protein function. In summary, the available evidence is currently insufficient to determine the role of this variant in disease. Therefore, it has been classified as a Variant of Uncertain Significance.

Ambry Genetics
Classification: Uncertain significance. Last evaluated: 2021-03-19. Review status: criteria provided, single submitter. Criteria: Ambry Variant Classification Scheme 2023. Collection method: clinical testing. Allele origin: germline.
Comment: The p.G407S variant (also known as c.1219G>A), located in coding exon 10 of the GARS gene, results from a G to A substitution at nucleotide position 1219. The glycine at codon 407 is replaced by serine, an amino acid with similar properties. This amino acid position is highly conserved in available vertebrate species. In addition, this alteration is predicted to be deleterious by in silico analysis. Since supporting evidence is limited at this time, the clinical significance of this alteration remains unclear.

NM_002047.4(GARS1):c.1219G>A (p.Gly407Ser)

Gene: GARS1 (glycyl-tRNA synthetase 1; plus strand). Cytogenetic location: 7p14.3.
Variant type: single nucleotide variant.
Coding change: c.1219G>A on transcript NM_002047.4 (MANE Select); coding-DNA position 1219, G replaced by A.
Protein change: p.Gly407Ser; replaces glycine 407 with serine.
Molecular consequence: missense variant.
Genome position (GRCh38, 1-based): chr7:30,617,138, G>A. VCF-style: chr7-30617138-G-A. GRCh37 (hg19) VCF-style: chr7-30656754-G-A.
Other names: c.1219G>A (LRG_243t1); c.1057G>A, p.Gly353Ser (NM_001316772.1); short protein forms G407S, G353S.
Identifiers: ClinVar variation 577910 (VCV000577910.11), dbSNP rs370650205, ClinGen allele CA4205936.